The following is an entry in ClinVar:

ClinVar aggregate classification (germline): Uncertain significance. Review status: criteria provided, multiple submitters, no conflicts (2 of 4 stars). 3 submissions from 3 submitters: Uncertain significance (3). Last evaluated 2026-02-14.

Conditions:
Familial cancer of breast. Also called: Hereditary breast cancer; BREAST CANCER, FAMILIAL; hereditary breast carcinoma. Identifiers: Orphanet 227535, MedGen C0346153, MONDO:0016419, OMIM 114480. Disease mechanism: loss of function.
Hereditary cancer-predisposing syndrome. Also called: Neoplastic Syndromes, Hereditary; Tumor predisposition; Hereditary Cancer Syndrome; Hereditary neoplastic syndrome. Identifiers: Orphanet 140162, MedGen C0027672, MeSH D009386, MONDO:0015356.

Allele frequency attached by ClinVar (database versions not stated): gnomAD exomes below 0.00001; TOPMed below 0.00001; ExAC 0.00001.
gnomAD v4.1: 1 of 1,589,672 alleles (0.000063%); highest among the groups gnomAD compares: Non-Finnish European, 0.000086%; no homozygotes.

Submissions (3):

GeneDx
Classification: Uncertain significance. Last evaluated: 2026-02-14. Review status: criteria provided, single submitter. Criteria: GeneDx Variant Classification Process June 2021. Collection method: clinical testing. Allele origin: germline.
Comment: Not observed at significant frequency in large population cohorts (gnomAD); In silico analysis supports that this missense variant has a deleterious effect on protein structure/function; Has not been previously published as pathogenic or benign to our knowledge; This variant is associated with the following publications: (PMID: 24485656, 19609323, 20871615)

Labcorp Genetics (formerly Invitae), Labcorp
Classification: Uncertain significance for Familial cancer of breast. Last evaluated: 2025-05-27. Review status: criteria provided, single submitter. Criteria: Invitae Variant Classification Sherloc (09022015). Collection method: clinical testing. Allele origin: germline.
Comment: This sequence change replaces arginine, which is basic and polar, with glycine, which is neutral and non-polar, at codon 942 of the PALB2 protein (p.Arg942Gly). This variant is present in population databases (rs757055720, gnomAD 0.0009%). This variant has not been reported in the literature in individuals affected with PALB2-related conditions. ClinVar contains an entry for this variant (Variation ID: 570859). Invitae Evidence Modeling of protein sequence and biophysical properties (such as structural, functional, and spatial information, amino acid conservation, physicochemical variation, residue mobility, and thermodynamic stability) indicates that this missense variant is not expected to disrupt PALB2 protein function with a negative predictive value of 80%. In summary, the available evidence is currently insufficient to determine the role of this variant in disease. Therefore, it has been classified as a Variant of Uncertain Significance.

Color Diagnostics, LLC DBA Color Health
Classification: Uncertain significance for Hereditary cancer-predisposing syndrome. Last evaluated: 2018-11-27. Review status: criteria provided, single submitter. Criteria: ACMG Guidelines, 2015. Collection method: clinical testing. Allele origin: germline.

NM_024675.4(PALB2):c.2824A>G (p.Arg942Gly)

Gene: PALB2 (partner and localizer of BRCA2; minus strand). Cytogenetic location: 16p12.2.
Variant type: single nucleotide variant.
Coding change: c.2824A>G on transcript NM_024675.4 (MANE Select); coding-DNA position 2824, A replaced by G.
Protein change: p.Arg942Gly; replaces arginine 942 with glycine.
Molecular consequence: missense variant.
Genome position (GRCh38, 1-based): chr16:23,624,019, T>C on the plus strand (A>G on the coding strand, the complement: PALB2 is on the minus strand). VCF-style: chr16-23624019-T-C. GRCh37 (hg19) VCF-style: chr16-23635340-T-C.
Other names: short protein forms R942G.
Identifiers: ClinVar variation 570859 (VCV000570859.13), dbSNP rs757055720, ClinGen allele CA7963480.